The following is an entry in ClinVar:

NM_130384.3(ATRIP):c.1315G>A (p.Ala439Thr)

Genes: ATRIP (ATR interacting protein; plus strand), ATRIP-TREX1 (ATRIP-TREX1 readthrough; plus strand). Cytogenetic location: 3p21.31.
Variant type: single nucleotide variant.
Coding change: c.1315G>A on transcript NM_130384.3 (MANE Select); coding-DNA position 1315, G replaced by A.
Protein change: p.Ala439Thr; replaces alanine 439 with threonine.
Molecular consequence: missense variant. On other transcripts: non-coding transcript variant (1).
Genome position (GRCh38, 1-based): chr3:48,460,369, G>A. VCF-style: chr3-48460369-G-A. GRCh37 (hg19) VCF-style: chr3-48501768-G-A.
Other names: c.934G>A, p.Ala312Thr (NM_001271022.2); c.1036G>A, p.Ala346Thr (NM_001271023.2); c.1315G>A, p.Ala439Thr (NM_032166.4); short protein forms A312T, A346T, A439T.
Identifiers: ClinVar variation 3464947 (VCV003464947.1).

ClinVar aggregate classification (germline): Uncertain significance (1 of 4 stars; one submission).

gnomAD v4.1: 3 of 1,613,456 alleles (0.00019%); highest among the groups gnomAD compares: Non-Finnish European, 0.00017%; no homozygotes.

Submission:

Ambry Genetics
Classification: Uncertain significance. Last evaluated: 2024-12-04. Review status: criteria provided, single submitter. Criteria: Ambry Variant Classification Scheme 2023. Collection method: clinical testing. Allele origin: germline.
Comment: The p.A439T variant (also known as c.1315G>A), located in coding exon 8 of the ATRIP gene, results from a G to A substitution at nucleotide position 1315. The alanine at codon 439 is replaced by threonine, an amino acid with similar properties. This amino acid position is conserved. In addition, this alteration is predicted to be tolerated by in silico analysis. Based on the available evidence, the clinical significance of this variant remains unclear.